The following is an entry in ClinVar:

NM_002047.4(GARS1):c.662A>G (p.His221Arg)

Gene: GARS1 (glycyl-tRNA synthetase 1; plus strand). Cytogenetic location: 7p14.3.
Variant type: single nucleotide variant.
Coding change: c.662A>G on transcript NM_002047.4 (MANE Select); coding-DNA position 662, A replaced by G.
Protein change: p.His221Arg; replaces histidine 221 with arginine.
Molecular consequence: missense variant.
Genome position (GRCh38, 1-based): chr7:30,603,499, A>G. VCF-style: chr7-30603499-A-G. GRCh37 (hg19) VCF-style: chr7-30643115-A-G.
Other names: c.500A>G, p.His167Arg (NM_001316772.1); c.662A>G (NM_002047.2); short protein forms H167R, H221R.
Identifiers: ClinVar variation 1680910 (VCV001680910.11), dbSNP rs1279978899, ClinGen allele CA367139870.

ClinVar aggregate classification (germline): Uncertain significance. Review status: criteria provided, multiple submitters, no conflicts (2 of 4 stars). 4 submissions from 4 submitters: Uncertain significance (4). Last evaluated 2023-07-12.

Conditions:
Charcot-Marie-Tooth disease type 2. Also called: Charcot-Marie-Tooth type 2. Identifiers: Orphanet 64746, MedGen C0270914, MONDO:0018993.

Allele frequency attached by ClinVar (database versions not stated): gnomAD exomes 0.00001 and below 0.00001; TOPMed below 0.00001.
gnomAD v4.1: 5 of 1,612,616 alleles (0.00031%); highest among the groups gnomAD compares: Admixed American, 0.0067%; no homozygotes.

Submissions (4):

Ambry Genetics
Classification: Uncertain significance. Last evaluated: 2023-07-12. Review status: criteria provided, single submitter. Criteria: Ambry Variant Classification Scheme 2023. Collection method: clinical testing. Allele origin: germline.

Revvity Omics, Revvity
Classification: Uncertain significance. Last evaluated: 2023-01-13. Review status: criteria provided, single submitter. Criteria: ACMG Guidelines, 2015. Collection method: clinical testing. Allele origin: germline.

Labcorp Genetics (formerly Invitae), Labcorp
Classification: Uncertain significance for Charcot-Marie-Tooth disease type 2. Last evaluated: 2022-12-26. Review status: criteria provided, single submitter. Criteria: Invitae Variant Classification Sherloc (09022015). Collection method: clinical testing. Allele origin: germline.
Comment: This sequence change replaces histidine, which is basic and polar, with arginine, which is basic and polar, at codon 221 of the GARS protein (p.His221Arg). This variant is present in population databases (no rsID available, gnomAD 0.006%). This variant has not been reported in the literature in individuals affected with GARS-related conditions. ClinVar contains an entry for this variant (Variation ID: 1680910). Advanced modeling of protein sequence and biophysical properties (such as structural, functional, and spatial information, amino acid conservation, physicochemical variation, residue mobility, and thermodynamic stability) performed at Invitae indicates that this missense variant is not expected to disrupt GARS protein function. In summary, the available evidence is currently insufficient to determine the role of this variant in disease. Therefore, it has been classified as a Variant of Uncertain Significance.

GeneDx
Classification: Uncertain significance. Last evaluated: 2022-08-19. Review status: criteria provided, single submitter. Criteria: GeneDx Variant Classification Process June 2021. Collection method: clinical testing. Allele origin: germline. Affected: yes.
Comment: In silico analysis supports that this missense variant has a deleterious effect on protein structure/function; Has not been previously published as pathogenic or benign to our knowledge; This variant is associated with the following publications: (PMID: 26503042, 26138142, 25168514)